The following is an entry in ClinVar:

ClinVar aggregate classification (germline): Conflicting classifications of pathogenicity. Review status: criteria provided, conflicting classifications (1 of 4 stars). 8 submissions from 8 submitters: Uncertain significance (6); Benign (1). 1 of the submissions does not count toward it. Last evaluated 2025-09-30.

Conditions:
Retinal dystrophy. Also called: Inherited retinal dystrophy. Identifiers: Orphanet 71862, MedGen C0854723, MeSH D058499, MONDO:0019118, HP:0000556.
Neuronal ceroid lipofuscinosis. Also called: Neuronal Ceroid Lipofuscinoses. Identifiers: Orphanet 216, Orphanet 79263, MedGen C0027877, MONDO:0016295. Disease mechanism: loss of function.
Neuronal ceroid lipofuscinosis 3 (CLN3). Identifiers: Orphanet 228346, MedGen C0751383, MONDO:0008767, OMIM 204200.
CEROID LIPOFUSCINOSIS, NEURONAL, 3, PROTRACTED. Identifiers: MedGen C4017059.

Allele frequency attached by ClinVar (database versions not stated): gnomAD below 0.00001 and 0.00003; gnomAD exomes 0.00018; ExAC 0.00045.
gnomAD v4.1: 164 of 1,602,734 alleles (0.01%); highest among the groups gnomAD compares: South Asian, 0.18%; 3 homozygotes.

Submissions (8):

Labcorp Genetics (formerly Invitae), Labcorp
Classification: Benign for Neuronal ceroid lipofuscinosis. Last evaluated: 2025-09-30. Review status: criteria provided, single submitter. Criteria: Invitae Variant Classification Sherloc (09022015). Collection method: clinical testing. Allele origin: germline.

Genomic Research Center, Shahid Beheshti University of Medical Sciences
Classification: Uncertain significance for CEROID LIPOFUSCINOSIS, NEURONAL, 3, PROTRACTED. Last evaluated: 2023-12-30. Review status: criteria provided, single submitter. Criteria: ACMG Guidelines, 2015. Collection method: clinical testing. Allele origin: inherited. Affected: yes.

Blueprint Genetics
Classification: Uncertain significance. Last evaluated: 2023-12-13. Review status: criteria provided, single submitter. Criteria: ACMG Guidelines, 2015. Collection method: clinical testing. Allele origin: germline.

Institute of Human Genetics, Univ. Regensburg, Univ. Regensburg
Classification: Uncertain significance for Retinal dystrophy. Last evaluated: 2022-01-01. Review status: criteria provided, single submitter. Criteria: ACMG Guidelines, 2015. Collection method: clinical testing. Allele origin: germline. Affected: yes.

Women's Health and Genetics/Laboratory Corporation of America, LabCorp
Classification: Uncertain significance. Last evaluated: 2021-11-11. Review status: criteria provided, single submitter. Criteria: LabCorp Variant Classification Summary - May 2015. Collection method: clinical testing. Allele origin: germline.
Comment: Variant summary: CLN3 c.790+3A>C alters a non-conserved nucleotide located close to a canonical splice site and therefore could affect mRNA splicing, leading to a significantly altered protein sequence. Several computational tools predict a significant impact on normal splicing: Three predict the variant slightly weakens the canonical 5' splice donor site. One predicts the variant abolishes the canonical 5' splice donor site. However, these predictions have yet to be confirmed by functional studies. The variant allele was found at a frequency of 0.00018 in 232186 control chromosomes in the gnomAD database, including 2 homozygotes. This frequency is not significantly higher than estimated for a pathogenic variant in CLN3 causing Neuronal Ceroid-Lipofuscinosis (Batten Disease) (0.00018 vs 0.0016), allowing no conclusion about variant significance. c.790+3A>C has been reported in the literature as a compound heterozygous genotype in at-least one individual with CLN3 disease (example, Mirza_2019) and as a non-informative (second allele not specified) genotype in a study reporting an update on the spectrum of CLN3 gene mutations (example, Kousi_2012). These report(s) do not provide unequivocal conclusions about association of the variant with Neuronal Ceroid-Lipofuscinosis (Batten Disease). To our knowledge, no experimental evidence demonstrating an impact on protein function has been reported. Four clinical diagnostic laboratories have submitted clinical-significance assessments for this variant to ClinVar after 2014 without evidence for independent evaluation. Multiple laboratories reported the variant with conflicting assessments (benign, n=1; VUS, n=2; Likely pathogenic, n=1). Based on the evidence outlined above, the variant was classified as uncertain significance.

Genome-Nilou Lab
Classification: Uncertain significance for Neuronal ceroid lipofuscinosis 3. Last evaluated: 2021-08-10. Review status: criteria provided, single submitter. Criteria: ACMG Guidelines, 2015. Collection method: clinical testing. Allele origin: germline. Affected: no.

GeneDx
Classification: Uncertain significance. Last evaluated: 2017-12-07. Review status: criteria provided, single submitter. Criteria: GeneDx Variant Classification (06012015). Collection method: clinical testing. Allele origin: germline. Affected: yes.
Comment: c.790+3 A>C: IVS10+3 A>C in intron 10 of the CLN3 gene (NM_001042432.1). The c.790+3 A>C variant has not been published as a mutation, nor has it been reported as a benign polymorphism to our knowledge. Several in-silico splice prediction models predict that c.790+3 A>C damages the natural donor site and leads to abnormal gene splicing. Therefore, based on the currently available information, it is unclear whether this variant is a pathogenic mutation or a rare benign variant. The variant is found in EPILEPSY,INFANT-EPI panel(s).

Juha Muilu Group; Institute for Molecular Medicine Finland (FIMM)
Classification: Likely pathogenic for Juvenile neuronal ceroid lipofuscinosis. Review status: no assertion criteria provided. Collection method: not provided. Allele origin: unknown. Not counted in ClinVar's aggregate classification.
Comment: FinDis database variant: This variant was not found or characterized by our laboratory, data were collected from public sources: see reference
ClinVar note: Converted during submission from probable-pathogenic to Likely pathogenic.

Literature cited by the submitters: PubMed 21990111 (cited by Women's Health and Genetics/Laboratory Corporation of America, LabCorp); PubMed 31568712 (cited by Women's Health and Genetics/Laboratory Corporation of America, LabCorp).

NM_001042432.2(CLN3):c.790+3A>C

Gene: CLN3 (CLN3 lysosomal/endosomal transmembrane protein, battenin; minus strand). Cytogenetic location: 16p12.1.
Variant type: single nucleotide variant.
Coding change: c.790+3A>C on transcript NM_001042432.2 (MANE Select); 3 bases into the intron after coding-DNA position 790, A replaced by C.
Molecular consequence: intron variant.
Genome position (GRCh38, 1-based): chr16:28,484,003, T>G on the plus strand (A>C on the coding strand, the complement: CLN3 is on the minus strand). VCF-style: chr16-28484003-T-G. GRCh37 (hg19) VCF-style: chr16-28495324-T-G.
Other names: c.556+3A>C (NM_001286109.2); c.718+3A>C (NM_001286104.2); c.490+3A>C (NM_001286105.2); c.628+3A>C (NM_001286110.2); c.790+3A>C (NM_000086.2).
Identifiers: ClinVar variation 56289 (VCV000056289.22), dbSNP rs386833738, ClinGen allele CA263729.
Genomic context (GRCh38, chr16:28,484,003, plus strand): 5'-GAGAGGAAAAGGCCAAACCCAGAGAGAAAGAAAGTGACCTCTCTGAGGGTCTGTGTCTCC[T>G]ACCTGGCTTCGACTCCGGGGCCTCGGTTCTTATGAGGGGCTGCCGGGCTGCGCTCTCTGC-3'